The following is an entry in ClinVar:

ClinVar aggregate classification (germline): Uncertain significance (1 of 4 stars; one submission).

gnomAD v4.1: 1 of 1,613,848 alleles (0.000062%); highest among the groups gnomAD compares: Non-Finnish European, 0.000085%; no homozygotes.

Submission:

Labcorp Genetics (formerly Invitae), Labcorp
Classification: Uncertain significance. Last evaluated: 2022-06-22. Review status: criteria provided, single submitter. Criteria: Invitae Variant Classification Sherloc (09022015). Collection method: clinical testing. Allele origin: germline.
Comment: This sequence change replaces alanine, which is neutral and non-polar, with serine, which is neutral and polar, at codon 812 of the KCNH1 protein (p.Ala812Ser). In summary, the available evidence is currently insufficient to determine the role of this variant in disease. Therefore, it has been classified as a Variant of Uncertain Significance. Advanced modeling of protein sequence and biophysical properties (such as structural, functional, and spatial information, amino acid conservation, physicochemical variation, residue mobility, and thermodynamic stability) performed at Invitae indicates that this missense variant is not expected to disrupt KCNH1 protein function. This variant has not been reported in the literature in individuals affected with KCNH1-related conditions. This variant is not present in population databases (gnomAD no frequency).

NM_172362.3(KCNH1):c.2434G>T (p.Ala812Ser)

Gene: KCNH1 (potassium voltage-gated channel subfamily H member 1; minus strand). Cytogenetic location: 1q32.2.
Variant type: single nucleotide variant.
Coding change: c.2434G>T on transcript NM_172362.3 (MANE Select); coding-DNA position 2434, G replaced by T.
Protein change: p.Ala812Ser; replaces alanine 812 with serine.
Molecular consequence: missense variant.
Genome position (GRCh38, 1-based): chr1:210,683,817, C>A on the plus strand (G>T on the coding strand, the complement: KCNH1 is on the minus strand). VCF-style: chr1-210683817-C-A. GRCh37 (hg19) VCF-style: chr1-210857159-C-A.
Other names: c.2353G>T, p.Ala785Ser (NM_002238.4); short protein forms A785S, A812S.
Identifiers: ClinVar variation 1943371 (VCV001943371.5), dbSNP rs759775665, ClinGen allele CA344871190.
Genomic context (GRCh38, chr1:210,683,817, plus strand): 5'-CACAATCGCCCCCGCCCCCCTTGGGGCCCAGGCACTCGGACCCTGGCGCCTGTAGCTTTG[C>A]GTGGTCTGGCACCCCGGAGGTGGAGGCTGCCTGGAAGGATACGGGCGTGGCAGGACTCTC-3'
Protein context (NP_758872.1, residues 802-822): AASTSGVPDH[Ala812Ser]KLQAPGSECL